The following is an entry in ClinVar:

NM_000264.5(PTCH1):c.353del (p.Ala118fs)

Gene: PTCH1 (patched 1; minus strand). Cytogenetic location: 9q22.32.
Variant type: Deletion.
Coding change: c.353del on transcript NM_000264.5 (MANE Select); coding-DNA position 353, one base deleted (C; older notation c.353delC).
Protein change: p.Ala118fs; shifts the reading frame from alanine 118.
Molecular consequence: frameshift variant. On other transcripts: 5 prime UTR variant (4), non-coding transcript variant (1).
Genome position (GRCh38, 1-based): chr9:95,506,448, G deleted on the plus strand (C on the coding strand, the reverse complement: PTCH1 is on the minus strand). VCF-style (leftmost placement, unchanged base first): chr9-95506447-TG-T. GRCh37 (hg19) VCF-style: chr9-98268729-TG-T.
Other names: c.155del, p.Ala52fs (NM_001083602.3, NM_001354919.2); c.350del, p.Ala117fs (NM_001083603.3); c.-101del (NM_001083604.3, NM_001083605.3, NM_001083606.3 and 1 more transcripts); c.353del, p.Ala118fs (NM_001354918.2); short protein forms A117fs, A118fs, A52fs.
Identifiers: ClinVar variation 3388979 (VCV003388979.14).

ClinVar aggregate classification (germline): Pathogenic (1 of 4 stars; one submission).

Submission:

CeGaT Center for Human Genetics Tuebingen
Classification: Pathogenic. Last evaluated: 2024-09-01. Review status: criteria provided, single submitter. Criteria: CeGaT Center For Human Genetics Tuebingen Variant Classification Criteria Version 2. Collection method: clinical testing. Allele origin: germline. Affected: yes. Observed: 1 variant allele.
Comment: PTCH1: PVS1, PM2, PP4